The following is an entry in ClinVar:

ClinVar aggregate classification (germline): Uncertain significance (1 of 4 stars; one submission).

Conditions:
Neurodevelopmental disorder with hypotonia and variable intellectual and behavioral abnormalities. Identifiers: MedGen C5231423, MONDO:0032829, OMIM 618603.

Submission:

Institute of Human Genetics, University of Leipzig Medical Center
Classification: Uncertain significance for Neurodevelopmental disorder with hypotonia and variable intellectual and behavioral abnormalities. Last evaluated: 2023-03-02. Review status: criteria provided, single submitter. Criteria: ACMG Guidelines, 2015. Collection method: clinical testing. Allele origin: unknown. Affected: yes.
Comment: Criteria applied: PVS1_MOD, PM2_SUP

NM_000937.5(POLR2A):c.5742del (p.Thr1915fs)

Gene: POLR2A (RNA polymerase II subunit A; plus strand). Cytogenetic location: 17p13.1.
Variant type: Deletion.
Coding change: c.5742del on transcript NM_000937.5 (MANE Select); coding-DNA position 5742, one base deleted (C; older notation c.5742delC).
Protein change: p.Thr1915fs; shifts the reading frame from threonine 1915.
Molecular consequence: frameshift variant.
Genome position (GRCh38, 1-based): chr17:7,514,008, C deleted; the last of 4 consecutive C bases (chr17:7,514,005-7,514,008); deleting any one gives the same sequence. VCF-style (leftmost placement, unchanged base first): chr17-7514004-GC-G. GRCh37 (hg19) VCF-style: chr17-7417321-GC-G.
Other names: short protein forms T1915fs.
Identifiers: ClinVar variation 2500342 (VCV002500342.1), dbSNP rs2508206529, ClinGen allele CA2580094778.